The following is an entry in ClinVar:

ClinVar aggregate classification (germline): Likely benign. Review status: criteria provided, multiple submitters, no conflicts (2 of 4 stars). 4 submissions from 4 submitters: Likely benign (4). Last evaluated 2025-12-03.

Conditions:
ADGRV1-related disorder. Also called: ADGRV1-related condition; ADGRV1-related disorders.

Allele frequency attached by ClinVar (database versions not stated): gnomAD exomes 0.00002; ExAC 0.00003; TOPMed 0.00007; gnomAD 0.00013 and 0.00014.
gnomAD v4.1: 59 of 1,607,690 alleles (0.0037%); highest among the groups gnomAD compares: African/African-American, 0.025%; no homozygotes.

Submissions (4):

Labcorp Genetics (formerly Invitae), Labcorp
Classification: Likely benign. Last evaluated: 2025-12-03. Review status: criteria provided, single submitter. Criteria: Invitae Variant Classification Sherloc (09022015). Collection method: clinical testing. Allele origin: germline.

PreventionGenetics, part of Exact Sciences
Classification: Likely benign for ADGRV1-related condition. Last evaluated: 2025-03-20. Review status: criteria provided, single submitter. Criteria: ACMG Guidelines, 2015. Collection method: clinical testing. Allele origin: germline.
Comment: This variant is classified as likely benign based on ACMG/AMP sequence variant interpretation guidelines (Richards et al. 2015 PMID: 25741868, with internal and published modifications).

Blueprint Genetics
Classification: Likely benign. Last evaluated: 2024-06-13. Review status: criteria provided, single submitter. Criteria: ACMG Guidelines, 2015. Collection method: clinical testing. Allele origin: germline.

Breakthrough Genomics
Classification: Likely benign. Review status: criteria provided, single submitter. Criteria: ACMG Guidelines, 2015. Collection method: not provided. Allele origin: germline. Inheritance: Autosomal recessive inheritance. Affected: yes.

NM_032119.4(ADGRV1):c.14664C>T (p.Val4888=)

Gene: ADGRV1 (adhesion G protein-coupled receptor V1; plus strand). Cytogenetic location: 5q14.3.
Variant type: single nucleotide variant.
Coding change: c.14664C>T on transcript NM_032119.4 (MANE Select); coding-DNA position 14664, C replaced by T.
Protein change: p.Val4888=; no amino-acid change (valine 4888 retained).
Molecular consequence: synonymous variant. On other transcripts: non-coding transcript variant (1).
Genome position (GRCh38, 1-based): chr5:90,805,286, C>T. VCF-style: chr5-90805286-C-T. GRCh37 (hg19) VCF-style: chr5-90101103-C-T.
Other names: c.14664C>T (NM_032119.3).
Identifiers: ClinVar variation 1081380 (VCV001081380.13), dbSNP rs773099015, ClinGen allele CA3341789.